The following is an entry in ClinVar:

NM_001999.4(FBN2):c.4835A>G (p.Lys1612Arg)

Gene: FBN2 (fibrillin 2; minus strand). Cytogenetic location: 5q23.3.
Variant type: single nucleotide variant.
Coding change: c.4835A>G on transcript NM_001999.4 (MANE Select); coding-DNA position 4835, A replaced by G.
Protein change: p.Lys1612Arg; replaces lysine 1612 with arginine.
Molecular consequence: missense variant.
Genome position (GRCh38, 1-based): chr5:128,312,678, T>C on the plus strand (A>G on the coding strand, the complement: FBN2 is on the minus strand). VCF-style: chr5-128312678-T-C. GRCh37 (hg19) VCF-style: chr5-127648370-T-C.
Other names: short protein forms K1612R.
Identifiers: ClinVar variation 1393567 (VCV001393567.6), dbSNP rs2126847622, ClinGen allele CA360746572.
Genomic context (GRCh38, chr5:128,312,678, plus strand): 5'-TCAGCTTTGTACTTACTGCTATTGACAGGGGGGCATGTCTCACAGGGGTTTCCCCAGGCC[T>C]TTCCCAGAGAGCAGCAGCATGAAGAGCGACTGACGCCCACCCCGATCTCGGTGTTGCAAG-3'
Protein context (NP_001990.2, residues 1602-1622): SRSSCCCSLG[Lys1612Arg]AWGNPCETCP

ClinVar aggregate classification (germline): Uncertain significance (1 of 4 stars; one submission).

Conditions:
Congenital contractural arachnodactyly (CCA). Also called: BEALS SYNDROME; Beals-Hecht syndrome; Arthrogryposis, distal, type 9. Identifiers: Orphanet 115, MedGen C0220668, MONDO:0007363, OMIM 121050.

Submission:

Labcorp Genetics (formerly Invitae), Labcorp
Classification: Uncertain significance for Congenital contractural arachnodactyly. Last evaluated: 2022-10-17. Review status: criteria provided, single submitter. Criteria: Invitae Variant Classification Sherloc (09022015). Collection method: clinical testing. Allele origin: germline.
Comment: ClinVar contains an entry for this variant (Variation ID: 1393567). This variant has not been reported in the literature in individuals affected with FBN2-related conditions. This variant is not present in population databases (gnomAD no frequency). This sequence change replaces lysine, which is basic and polar, with arginine, which is basic and polar, at codon 1612 of the FBN2 protein (p.Lys1612Arg). Advanced modeling of protein sequence and biophysical properties (such as structural, functional, and spatial information, amino acid conservation, physicochemical variation, residue mobility, and thermodynamic stability) performed at Invitae indicates that this missense variant is not expected to disrupt FBN2 protein function. In summary, the available evidence is currently insufficient to determine the role of this variant in disease. Therefore, it has been classified as a Variant of Uncertain Significance.